The following is an entry in ClinVar:

ClinVar aggregate classification (germline): Pathogenic. Review status: criteria provided, multiple submitters, no conflicts (2 of 4 stars). 3 submissions from 3 submitters: Pathogenic (3). Last evaluated 2023-12-30.

Conditions:
DICER1-related tumor predisposition. Also called: DICER1 syndrome; DICER1-related pleuropulmonary blastoma cancer predisposition syndrome. Identifiers: Orphanet 284343, MedGen C3839822, MONDO:0100216.

Submissions (3):

Labcorp Genetics (formerly Invitae), Labcorp
Classification: Pathogenic for DICER1-related tumor predisposition. Last evaluated: 2023-12-30. Review status: criteria provided, single submitter. Criteria: Invitae Variant Classification Sherloc (09022015). Collection method: clinical testing. Allele origin: germline.
Comment: This sequence change affects a donor splice site in intron 23 of the DICER1 gene. It is expected to disrupt RNA splicing. Variants that disrupt the donor or acceptor splice site typically lead to a loss of protein function (PMID: 16199547), and loss-of-function variants in DICER1 are known to be pathogenic (PMID: 19556464, 21266384). This variant is not present in population databases (gnomAD no frequency). Disruption of this splice site has been observed in individual(s) with pleuropulmonary blastoma (PMID: 26925222). ClinVar contains an entry for this variant (Variation ID: 254342). Algorithms developed to predict the effect of sequence changes on RNA splicing suggest that this variant may disrupt the consensus splice site. For these reasons, this variant has been classified as Pathogenic.

Foulkes Cancer Genetics LDI, Lady Davis Institute for Medical Research
Classification: Pathogenic for Pleuropulmonary blastoma. Last evaluated: 2019-07-01. Review status: criteria provided, single submitter. Criteria: ACMG Guidelines, 2015. Collection method: curation. Allele origin: germline. Affected: yes. Observed: 1 variant allele.
Comment: ACMG criteria met: PVS1, PM2, PP4

International Pleuropulmonary Blastoma Registry, Children's Hospitals and Clinics of Minnesota
Classification: Pathogenic for Pleuropulmonary blastoma. Last evaluated: 2014-11-10. Review status: criteria provided, single submitter. Criteria: Hill et al. (Science. 2009). Collection method: clinical testing. Allele origin: germline. Affected: yes. Study: PPB-DICER1 Genetic study.

Literature cited by the submitters: PubMed 16199547 (cited by Labcorp Genetics (formerly Invitae), Labcorp); PubMed 19556464 (cited by Labcorp Genetics (formerly Invitae), Labcorp); PubMed 21266384 (cited by Labcorp Genetics (formerly Invitae), Labcorp); PubMed 26925222 (cited by 3 submitters).

NM_177438.3(DICER1):c.5095+1G>C

Gene: DICER1 (dicer 1, ribonuclease III; minus strand). Cytogenetic location: 14q32.13.
Variant type: single nucleotide variant.
Coding change: c.5095+1G>C on transcript NM_177438.3 (MANE Select); the canonical splice donor site of the intron after coding-DNA position 5095, G replaced by C.
Molecular consequence: splice donor variant. On other transcripts: missense variant (5).
Genome position (GRCh38, 1-based): chr14:95,095,824, C>G on the plus strand (G>C on the coding strand, the complement: DICER1 is on the minus strand). VCF-style: chr14-95095824-C-G. GRCh37 (hg19) VCF-style: chr14-95562161-C-G.
Other names: 5' splice site, intron 23; c.5096G>C, p.Gly1699Ala (NM_001395692.1, NM_001395693.1, NM_001395694.1 and 1 more transcripts); c.4691G>C, p.Gly1564Ala (NM_001395696.1); c.5095+1G>C (NM_001291628.2, NM_030621.4, NM_001395677.1 and 8 more transcripts); c.4690+1G>C (NM_001395690.1, NM_001395687.1, NM_001395689.1 and 1 more transcripts); c.4813+1G>C (NM_001395686.1); c.4528+1G>C (NM_001395691.1); c.3412+1G>C (NM_001395697.1); short protein forms G1564A, G1699A.
Identifiers: ClinVar variation 254342 (VCV000254342.7), dbSNP rs886037722, ClinGen allele CA10586408.
Genomic context (GRCh38, chr14:95,095,824, plus strand): 5'-CGATGAGATCAACACAAAGTCTCATTTTCCCAGAAATGAAGTCTGGTCGTGGGCTCCTTA[C>G]CAGTGATAGTATTGTAGTGGTAGGAGGCATGTGTAAAAGCCTGGAGAAGGTAAGCCTTAT-3'